The following is an entry in ClinVar:

ClinVar aggregate classification (germline): Likely pathogenic (1 of 4 stars; one submission).

Submission:

CeGaT Center for Human Genetics Tuebingen
Classification: Likely pathogenic. Last evaluated: 2024-12-01. Review status: criteria provided, single submitter. Criteria: CeGaT Center For Human Genetics Tuebingen Variant Classification Criteria Version 2. Collection method: clinical testing. Allele origin: germline. Affected: yes. Observed: 1 variant allele.
Comment: LZTR1: PM2, PP4:Moderate, PVS1:Moderate

NM_006767.4(LZTR1):c.2467dup (p.Ser823fs)

Gene: LZTR1 (leucine zipper like post translational regulator 1; plus strand). Cytogenetic location: 22q11.21.
Variant type: Duplication.
Coding change: c.2467dup on transcript NM_006767.4 (MANE Select); coding-DNA position 2467, one base duplicated (T; older notation c.2467dupT).
Protein change: p.Ser823fs; shifts the reading frame from serine 823.
Molecular consequence: frameshift variant.
Genome position (GRCh38, 1-based): chr22:20,997,292, T duplicated. VCF-style (leftmost placement, unchanged base first): chr22-20997291-C-CT. GRCh37 (hg19) VCF-style: chr22-21351580-C-CT.
Other names: short protein forms S823fs.
Identifiers: ClinVar variation 3772002 (VCV003772002.13).